The following is an entry in ClinVar:

ClinVar aggregate classification (germline): Uncertain significance (1 of 4 stars; one submission).

Allele frequency attached by ClinVar (database versions not stated): TOPMed below 0.00001; gnomAD 0.00001.
gnomAD v4.1: 1 of 1,613,830 alleles (0.000062%); highest among the groups gnomAD compares: Non-Finnish European, 0.000085%; no homozygotes.

Submission:

GeneDx
Classification: Uncertain significance. Last evaluated: 2023-02-09. Review status: criteria provided, single submitter. Criteria: GeneDx Variant Classification Process June 2021. Collection method: clinical testing. Allele origin: germline. Affected: yes.
Comment: Not observed at significant frequency in large population cohorts (gnomAD); In silico analysis supports that this missense variant has a deleterious effect on protein structure/function; Has not been previously published as pathogenic or benign to our knowledge

NM_001394062.1(MACF1):c.18744T>A (p.Asn6248Lys)

Gene: MACF1 (microtubule actin crosslinking factor 1; plus strand). Cytogenetic location: 1p34.3.
Variant type: single nucleotide variant.
Coding change: c.18744T>A on transcript NM_001394062.1 (MANE Select); coding-DNA position 18744, T replaced by A.
Protein change: p.Asn6248Lys; replaces asparagine 6248 with lysine.
Molecular consequence: missense variant.
Genome position (GRCh38, 1-based): chr1:39,442,023, T>A. VCF-style: chr1-39442023-T-A. GRCh37 (hg19) VCF-style: chr1-39907695-T-A.
Other names: c.6822T>A, p.Asn2274Lys (NM_001397473.1); c.12567T>A, p.Asn4189Lys (NM_012090.5); short protein forms N2274K, N4189K, N6248K.
Identifiers: ClinVar variation 2575550 (VCV002575550.1), dbSNP rs1274814932, ClinGen allele CA339811490.